The following is an entry in ClinVar:

NM_153704.6(TMEM67):c.1833_1834del (p.Tyr612fs)

Gene: TMEM67 (transmembrane protein 67; plus strand). Cytogenetic location: 8q22.1.
Variant type: Deletion.
Coding change: c.1833_1834del on transcript NM_153704.6 (MANE Select); coding-DNA positions 1833 to 1834, 2 bases deleted (TT; older notation c.1833_1834delTT).
Protein change: p.Tyr612fs; shifts the reading frame from tyrosine 612.
Molecular consequence: frameshift variant. On other transcripts: non-coding transcript variant (1).
Genome position (GRCh38, 1-based): chr8:93,795,960-93,795,961, TT deleted. VCF-style (leftmost placement, unchanged base first): chr8-93795959-CTT-C. GRCh37 (hg19) VCF-style: chr8-94808187-CTT-C.
Other names: c.1590_1591del, p.Tyr531fs (NM_001142301.1); short protein forms Y531fs, Y612fs.
Identifiers: ClinVar variation 2135057 (VCV002135057.4), dbSNP rs2536899211, ClinGen allele CA2580079090.

ClinVar aggregate classification (germline): Pathogenic (1 of 4 stars; one submission).

Conditions:
Joubert syndrome. Also called: CEREBELLOPARENCHYMAL DISORDER IV; JOUBERT-BOLTSHAUSER SYNDROME; Familial aplasia of the vermis. Identifiers: Orphanet 475, MedGen C5979921, MONDO:0018772.
Meckel-Gruber syndrome. Also called: DYSENCEPHALIA SPLANCHNOCYSTICA; GRUBER SYNDROME; Dysencephalia splachnocystica. Identifiers: Orphanet 564, MedGen C0265215, MONDO:0018921.

Submission:

Labcorp Genetics (formerly Invitae), Labcorp
Classification: Pathogenic for Joubert syndrome; Meckel-Gruber syndrome. Last evaluated: 2022-11-28. Review status: criteria provided, single submitter. Criteria: Invitae Variant Classification Sherloc (09022015). Collection method: clinical testing. Allele origin: germline.
Comment: For these reasons, this variant has been classified as Pathogenic. This variant has not been reported in the literature in individuals affected with TMEM67-related conditions. This variant is not present in population databases (gnomAD no frequency). This sequence change creates a premature translational stop signal (p.Tyr612Cysfs*15) in the TMEM67 gene. It is expected to result in an absent or disrupted protein product. Loss-of-function variants in TMEM67 are known to be pathogenic (PMID: 20232449, 23559409).

Literature cited by the submitters: PubMed 20232449; PubMed 23559409.